The following is an entry in ClinVar:

NM_004281.4(BAG3):c.1279G>C (p.Ala427Pro)

Gene: BAG3 (BAG cochaperone 3; plus strand). Cytogenetic location: 10q26.11.
Variant type: single nucleotide variant.
Coding change: c.1279G>C on transcript NM_004281.4 (MANE Select); coding-DNA position 1279, G replaced by C.
Protein change: p.Ala427Pro; replaces alanine 427 with proline.
Molecular consequence: missense variant.
Genome position (GRCh38, 1-based): chr10:119,676,833, G>C. VCF-style: chr10-119676833-G-C. GRCh37 (hg19) VCF-style: chr10-121436345-G-C.
Other names: short protein forms A427P.
Identifiers: ClinVar variation 4782811 (VCV004782811.1).

ClinVar aggregate classification (germline): Uncertain significance (1 of 4 stars; one submission).

Conditions:
Dilated cardiomyopathy 1HH (CMD1HH). Identifiers: Orphanet 154, MedGen C3151293, MONDO:0013479, OMIM 613881.
Myofibrillar myopathy 6. Identifiers: Orphanet 199340, MedGen C2751831, MONDO:0013061, OMIM 612954.

Submission:

Labcorp Genetics (formerly Invitae), Labcorp
Classification: Uncertain significance for Dilated cardiomyopathy 1HH; Myofibrillar myopathy 6. Last evaluated: 2025-08-11. Review status: criteria provided, single submitter. Criteria: Invitae Variant Classification Sherloc (09022015). Collection method: clinical testing. Allele origin: germline.
Comment: This sequence change replaces alanine, which is neutral and non-polar, with proline, which is neutral and non-polar, at codon 427 of the BAG3 protein (p.Ala427Pro). This variant is not present in population databases (gnomAD no frequency). This variant has not been reported in the literature in individuals affected with BAG3-related conditions. Invitae Evidence Modeling of protein sequence and biophysical properties (such as structural, functional, and spatial information, amino acid conservation, physicochemical variation, residue mobility, and thermodynamic stability) has been performed for this missense variant. However, the output from this modeling did not meet the statistical confidence thresholds required to predict the impact of this variant on BAG3 protein function. In summary, the available evidence is currently insufficient to determine the role of this variant in disease. Therefore, it has been classified as a Variant of Uncertain Significance.